The following is an entry in ClinVar:

ClinVar aggregate classification (germline): Likely benign. Review status: criteria provided, multiple submitters, no conflicts (2 of 4 stars). 3 submissions from 3 submitters: Likely benign (3). Last evaluated 2024-09-17.

Conditions:
Neurodevelopmental disorder with or without hyperkinetic movements and seizures, autosomal dominant. Also called: Intellectual disability, autosomal dominant 8. Identifiers: MedGen C3280282, MONDO:0013655, OMIM 614254.

Allele frequency attached by ClinVar (database versions not stated): gnomAD 0.00001; gnomAD exomes 0.00002; ExAC 0.00003; TOPMed 0.00003; 1000 Genomes Project 30x 0.00016; 1000 Genomes Project 0.00020.

Submissions (3):

Labcorp Genetics (formerly Invitae), Labcorp
Classification: Likely benign for Neurodevelopmental disorder with or without hyperkinetic movements and seizures, autosomal dominant. Last evaluated: 2024-09-17. Review status: criteria provided, single submitter. Criteria: Invitae Variant Classification Sherloc (09022015). Collection method: clinical testing. Allele origin: germline.

Women's Health and Genetics/Laboratory Corporation of America, LabCorp
Classification: Likely benign. Last evaluated: 2024-06-07. Review status: criteria provided, single submitter. Criteria: LabCorp Variant Classification Summary - May 2015. Collection method: clinical testing. Allele origin: germline.

GeneDx
Classification: Likely benign. Last evaluated: 2016-05-10. Review status: criteria provided, single submitter. Criteria: GeneDx Variant Classification (06012015). Collection method: clinical testing. Allele origin: germline. Affected: yes.
Comment: This variant is considered likely benign or benign based on one or more of the following criteria: it is a conservative change, it occurs at a poorly conserved position in the protein, it is predicted to be benign by multiple in silico algorithms, and/or has population frequency not consistent with disease.

NM_007327.4(GRIN1):c.2334-18A>T

Gene: GRIN1 (glutamate ionotropic receptor NMDA type subunit 1; plus strand). Cytogenetic location: 9q34.3.
Variant type: single nucleotide variant.
Coding change: c.2334-18A>T on transcript NM_007327.4 (MANE Select); 18 bases into the intron before coding-DNA position 2334, A replaced by T.
Molecular consequence: intron variant.
Genome position (GRCh38, 1-based): chr9:137,163,541, A>T. VCF-style: chr9-137163541-A-T. GRCh37 (hg19) VCF-style: chr9-140057993-A-T.
Other names: c.2397-18A>T (NM_001185090.2, NM_001185091.2); c.2334-18A>T (NM_021569.4, NM_000832.7).
Identifiers: ClinVar variation 385921 (VCV000385921.10), dbSNP rs185685295, ClinGen allele CA5361124.